The following is an entry in ClinVar:

ClinVar aggregate classification (germline): Uncertain significance (1 of 4 stars; one submission).

Allele frequency attached by ClinVar (database versions not stated): gnomAD exomes below 0.00001; gnomAD 0.00001.
gnomAD v4.1: 2 of 1,614,162 alleles (0.00012%); highest among the groups gnomAD compares: Non-Finnish European, 0.00017%; no homozygotes.

Submission:

Labcorp Genetics (formerly Invitae), Labcorp
Classification: Uncertain significance. Last evaluated: 2021-03-19. Review status: criteria provided, single submitter. Criteria: Invitae Variant Classification Sherloc (09022015). Collection method: clinical testing. Allele origin: germline.
Comment: In summary, the available evidence is currently insufficient to determine the role of this variant in disease. Therefore, it has been classified as a Variant of Uncertain Significance. Algorithms developed to predict the effect of missense changes on protein structure and function are either unavailable or do not agree on the potential impact of this missense change (SIFT: "Tolerated"; PolyPhen-2: "Possibly Damaging"; Align-GVGD: "Class C0"). This variant has not been reported in the literature in individuals with ADGRA3-related conditions. This variant is not present in population databases (ExAC no frequency). This sequence change replaces aspartic acid with asparagine at codon 718 of the ADGRA3 protein (p.Asp718Asn). The aspartic acid residue is highly conserved and there is a small physicochemical difference between aspartic acid and asparagine.

NM_145290.4(ADGRA3):c.2152G>A (p.Asp718Asn)

Gene: ADGRA3 (adhesion G protein-coupled receptor A3; minus strand). Cytogenetic location: 4p15.2.
Variant type: single nucleotide variant.
Coding change: c.2152G>A on transcript NM_145290.4 (MANE Select); coding-DNA position 2152, G replaced by A.
Protein change: p.Asp718Asn; replaces aspartic acid 718 with asparagine.
Molecular consequence: missense variant.
Genome position (GRCh38, 1-based): chr4:22,413,262, C>T on the plus strand (G>A on the coding strand, the complement: ADGRA3 is on the minus strand). VCF-style: chr4-22413262-C-T. GRCh37 (hg19) VCF-style: chr4-22414885-C-T.
Other names: short protein forms D718N.
Identifiers: ClinVar variation 1510813 (VCV001510813.8), dbSNP rs1715288614, ClinGen allele CA356479567.
Genomic context (GRCh38, chr4:22,413,262, plus strand): 5'-TAAGGGAGTAGCACTGAATCGTAGTGATATTTTCATCTGAATAGAGTATATGGCACCCAT[C>T]TGACTTCCAGCCTCCTTGTCCGTTCAGCAAATCGAAATCCCACCGGGCTGCAACAGCATC-3'
Protein context (NP_660333.2, residues 708-728): LLNGQGGWKS[Asp718Asn]GCHILYSDEN